The following is an entry in ClinVar:

ClinVar aggregate classification (germline): Uncertain significance (1 of 4 stars; one submission).

Allele frequency attached by ClinVar (database versions not stated): TOPMed below 0.00001.

Submission:

Ambry Genetics
Classification: Uncertain significance. Last evaluated: 2023-02-17. Review status: criteria provided, single submitter. Criteria: Ambry Variant Classification Scheme 2023. Collection method: clinical testing. Allele origin: germline.
Comment: The p.S252G variant (also known as c.754A>G), located in coding exon 1 of the EGLN2 gene, results from an A to G substitution at nucleotide position 754. The serine at codon 252 is replaced by glycine, an amino acid with similar properties. This amino acid position is conserved. In addition, this alteration is predicted to be tolerated by in silico analysis. Since supporting evidence is limited at this time, the clinical significance of this alteration remains unclear.

NM_080732.4(EGLN2):c.754A>G (p.Ser252Gly)

Genes: EGLN2 (egl-9 family hypoxia inducible factor 2; plus strand), RAB4B-EGLN2 (RAB4B-EGLN2 readthrough (NMD candidate); plus strand). Cytogenetic location: 19q13.2.
Variant type: single nucleotide variant.
Coding change: c.754A>G on transcript NM_080732.4 (MANE Select); coding-DNA position 754, A replaced by G.
Protein change: p.Ser252Gly; replaces serine 252 with glycine.
Molecular consequence: missense variant. On other transcripts: non-coding transcript variant (1).
Genome position (GRCh38, 1-based): chr19:40,801,326, A>G. VCF-style: chr19-40801326-A-G. GRCh37 (hg19) VCF-style: chr19-41307231-A-G.
Other names: c.754A>G, p.Ser252Gly (NM_053046.4); short protein forms S252G.
Identifiers: ClinVar variation 2449369 (VCV002449369.2), dbSNP rs1414313824, ClinGen allele CA405955909.
Genomic context (GRCh38, chr19:40,801,326, plus strand): 5'-CCGCGCAGCATCCGTGGGGACCAGATTGCCTGGGTGGAAGGCCATGAACCAGGCTGTCGA[A>G]GCATTGGTGCCCTCATGGCCCATGTGGACGCCGTCATCCGCCACTGCGCAGGGCGGCTGG-3'
Protein context (NP_542770.2, residues 242-262): WVEGHEPGCR[Ser252Gly]IGALMAHVDA